The following is an entry in ClinVar:

ClinVar aggregate classification (germline): Likely benign (1 of 4 stars; one submission).

Conditions:
CPE-related disorder. Also called: CPE-related condition.

gnomAD v4.1: 1 of 1,541,128 alleles (0.000065%); highest among the groups gnomAD compares: South Asian, 0.0012%; no homozygotes.

Submission:

PreventionGenetics, part of Exact Sciences
Classification: Likely benign for CPE-related condition. Last evaluated: 2026-02-09. Review status: criteria provided, single submitter. Criteria: ACMG Guidelines, 2015. Collection method: clinical testing. Allele origin: germline.
Comment: This variant is classified as likely benign based on ACMG/AMP sequence variant interpretation guidelines (Richards et al. 2015 PMID: 25741868, with internal and published modifications).

NM_001873.4(CPE):c.81C>T (p.Ala27=)

Gene: CPE (carboxypeptidase E; plus strand). Cytogenetic location: 4q32.3.
Variant type: single nucleotide variant.
Coding change: c.81C>T on transcript NM_001873.4 (MANE Select); coding-DNA position 81, C replaced by T.
Protein change: p.Ala27=; no amino-acid change (alanine 27 retained).
Molecular consequence: synonymous variant.
Genome position (GRCh38, 1-based): chr4:165,379,302, C>T. VCF-style: chr4-165379302-C-T. GRCh37 (hg19) VCF-style: chr4-166300454-C-T.
Identifiers: ClinVar variation 4988065 (VCV004988065.1).
Genomic context (GRCh38, chr4:165,379,302, plus strand): 5'-CGCGCTGCTGGCTCTGTGCGGGGCACTGGCTGCCTGCGGGTGGCTCCTGGGCGCCGAAGC[C>T]CAGGAGCCCGGGGCGCCCGCGGCGGGCATGAGGCGGCGCCGGCGGCTGCAGCAAGAGGAC-3'
Protein context (NP_001864.1, residues 17-37): AACGWLLGAE[Ala27=]QEPGAPAAGM